The following is an entry in ClinVar:

NM_000059.4(BRCA2):c.8325_8328delinsTAACGAG (p.Met2775_Leu2776delinsIleAsnGlu)

Gene: BRCA2 (BRCA2 DNA repair associated; plus strand). Cytogenetic location: 13q13.1.
Variant type: Indel.
Coding change: c.8325_8328delinsTAACGAG on transcript NM_000059.4 (MANE Select); coding-DNA positions 8325 to 8328, GTTA replaced by TAACGAG.
Protein change: p.Met2775_Leu2776delinsIleAsnGlu.
Molecular consequence: inframe indel.
Genome position (GRCh38, 1-based): chr13:32,363,527-32,363,530, GTTA replaced by TAACGAG. VCF-style: chr13-32363527-GTTA-TAACGAG. GRCh37 (hg19) VCF-style: chr13-32937664-GTTA-TAACGAG.
Other names: c.8325_8328delGTTAinsTAACGAG (NM_000059.3).
Identifiers: ClinVar variation 924207 (VCV000924207.4), dbSNP rs2072761521, ClinGen allele CA1139663151.

ClinVar aggregate classification (germline): Uncertain significance. Review status: criteria provided, multiple submitters, no conflicts (2 of 4 stars). 2 submissions from 2 submitters: Uncertain significance (2). Last evaluated 2025-03-19.

Conditions:
Hereditary cancer-predisposing syndrome. Also called: Neoplastic Syndromes, Hereditary; Tumor predisposition; Hereditary Cancer Syndrome; Hereditary neoplastic syndrome. Identifiers: Orphanet 140162, MedGen C0027672, MeSH D009386, MONDO:0015356.

Submissions (2):

Ambry Genetics
Classification: Uncertain significance for Hereditary cancer-predisposing syndrome. Last evaluated: 2025-03-19. Review status: criteria provided, single submitter. Criteria: Ambry Variant Classification Scheme 2023. Collection method: clinical testing. Allele origin: germline.
Comment: The c.8325_8328delGTTAinsTAACGAG variant, located in coding exon 17 of the BRCA2 gene, results from an in-frame deletion of GTTA and insertion of TAACGAG at nucleotide positions 8325 to 8328. This results in the substitution of Isoleucine, Asparagine, and Glutamic Acid residues for the Methionine and Leucine residues at codons 2775-2776. This amino acid region is not well conserved in available vertebrate species. In addition, the in silico prediction for this alteration is inconclusive (Choi Y et al. PLoS ONE. 2012; 7(10):e46688). Based on the available evidence, the clinical significance of this variant remains unclear.

Color Diagnostics, LLC DBA Color Health
Classification: Uncertain significance for Hereditary cancer-predisposing syndrome. Last evaluated: 2019-08-12. Review status: criteria provided, single submitter. Criteria: ACMG Guidelines, 2015. Collection method: clinical testing. Allele origin: germline.
Comment: This variant causes an in-frame substitution of two amino acids at codons 2775 and 2776 and replaces them with three amino acids in the BRCA2 protein. Computational splicing tools suggest that this variant may not impact RNA splicing. To our knowledge, functional assays have not been performed for this variant nor has this variant been reported in individuals affected with hereditary cancer in the literature. This variant has not been identified in the general population by the Genome Aggregation Database (gnomAD). Available evidence is insufficient to determine the role of this variant in disease conclusively. Therefore, this variant is classified as a Variant of Uncertain Significance.